The following is an entry in ClinVar:

ClinVar aggregate classification (germline): Benign. Review status: criteria provided, multiple submitters, no conflicts (2 of 4 stars). 2 submissions from 2 submitters: Benign (2). Last evaluated 2016-03-29.

Allele frequency attached by ClinVar (database versions not stated): gnomAD 0.14554 and 0.14921; 1000 Genomes Project 30x 0.19394; TOPMed 0.15438; gnomAD exomes 0.16822; ExAC 0.18531; 1000 Genomes Project 0.20068.

Submissions (2):

Laboratory for Molecular Medicine, Mass General Brigham Personalized Medicine
Classification: Benign. Last evaluated: 2016-03-29. Review status: criteria provided, single submitter. Criteria: LMM Criteria. Collection method: clinical testing. Allele origin: germline.
Comment: Variant identified in a genome or exome case(s) and assessed due to predicted null impact of the variant or pathogenic assertions in the literature or databases. Disclaimer: This variant has not undergone full assessment. The following are preliminary notes: MAF

Breakthrough Genomics
Classification: Benign. Review status: criteria provided, single submitter. Criteria: ACMG Guidelines, 2015. Collection method: not provided. Allele origin: germline. Inheritance: Unknown mechanism. Affected: yes.

NC_000015.10:g.34343662G>C

Genes: NOP10 (NOP10 ribonucleoprotein; minus strand), NUTM1 (NUT midline carcinoma family member 1; plus strand). Cytogenetic location: 15q14.
Variant type: single nucleotide variant.
Molecular consequence: 5 prime UTR variant (on NM_001284292.2). On other transcripts: missense variant (1).
Genome position: GRCh38 VCF-style: chr15-34343662-G-C. GRCh37 (hg19) VCF-style: chr15-34635863-G-C.
Other names: c.-35G>C (NM_001284292.2); c.30G>C, p.Lys10Asn (NM_001284293.2); c.-204G>C (NM_175741.3); short protein forms K10N.
Identifiers: ClinVar variation 403246 (VCV000403246.6), dbSNP rs73376010, ClinGen allele CA7464842.